The following is an entry in ClinVar:

NM_005886.3(KATNB1):c.217A>G (p.Thr73Ala)

Gene: KATNB1 (katanin regulatory subunit B1; plus strand). Cytogenetic location: 16q21.
Variant type: single nucleotide variant.
Coding change: c.217A>G on transcript NM_005886.3 (MANE Select); coding-DNA position 217, A replaced by G.
Protein change: p.Thr73Ala; replaces threonine 73 with alanine.
Molecular consequence: missense variant.
Genome position (GRCh38, 1-based): chr16:57,744,439, A>G. VCF-style: chr16-57744439-A-G. GRCh37 (hg19) VCF-style: chr16-57778351-A-G.
Other names: short protein forms T73A.
Identifiers: ClinVar variation 435541 (VCV000435541.20), dbSNP rs145567409, ClinGen allele CA8080663.
Genomic context (GRCh38, chr16:57,744,439, plus strand): 5'-GCTCTCTCTCCACAGAGCCTGACGGGCCACACATCCCCAGTGGAGAGCGTCCGCCTCAAC[A>G]CCCCCGAGGAGCTCATCGTGGCCGGCTCTCAGTCGGGCTCCATCCGTGTCTGGGACCTGG-3'
Protein context (NP_005877.2, residues 63-83): TSPVESVRLN[Thr73Ala]PEELIVAGSQ

ClinVar aggregate classification (germline): Likely benign. Review status: criteria provided, multiple submitters, no conflicts (2 of 4 stars). 4 submissions from 4 submitters: Likely benign (3). 1 of the submissions does not count toward it. Last evaluated 2025-12-31.

Conditions:
KATNB1-related disorder. Also called: KATNB1-related condition.

Allele frequency attached by ClinVar (database versions not stated): gnomAD exomes 0.00017 and 0.00049; ExAC 0.00050; 1000 Genomes Project 0.00140; gnomAD 0.00161 and 0.00177; 1000 Genomes Project 30x 0.00172; TOPMed 0.00197; ESP Exome Variant Server 0.00223.
gnomAD v4.1: 502 of 1,613,414 alleles (0.031%); highest among the groups gnomAD compares: African/African-American, 0.6%; 1 homozygote.

Submissions (4):

Labcorp Genetics (formerly Invitae), Labcorp
Classification: Likely benign. Last evaluated: 2025-12-31. Review status: criteria provided, single submitter. Criteria: Invitae Variant Classification Sherloc (09022015). Collection method: clinical testing. Allele origin: germline.

GeneDx
Classification: Likely benign. Last evaluated: 2019-12-20. Review status: criteria provided, single submitter. Criteria: GeneDx Variant Classification Process June 2021. Collection method: clinical testing. Allele origin: germline. Affected: yes.

Genetic Services Laboratory, University of Chicago
Classification: Likely benign. Last evaluated: 2016-10-13. Review status: criteria provided, single submitter. Criteria: ACMG Guidelines, 2015. Collection method: clinical testing. Allele origin: germline. Affected: no.

PreventionGenetics, part of Exact Sciences
Classification: Likely benign for KATNB1-related condition. Last evaluated: 2019-12-03. Review status: no assertion criteria provided. Collection method: clinical testing. Allele origin: germline. Not counted in ClinVar's aggregate classification.
Comment: This variant is classified as likely benign based on ACMG/AMP sequence variant interpretation guidelines (Richards et al. 2015 PMID: 25741868, with internal and published modifications).